The following is an entry in ClinVar:

NM_182914.3(SYNE2):c.16404C>T (p.Leu5468=)

Gene: SYNE2 (spectrin repeat containing nuclear envelope protein 2; plus strand). Cytogenetic location: 14q23.2.
Variant type: single nucleotide variant.
Coding change: c.16404C>T on transcript NM_182914.3 (MANE Select); coding-DNA position 16404, C replaced by T.
Protein change: p.Leu5468=; no amino-acid change (leucine 5468 retained).
Molecular consequence: synonymous variant.
Genome position (GRCh38, 1-based): chr14:64,163,506, C>T. VCF-style: chr14-64163506-C-T. GRCh37 (hg19) VCF-style: chr14-64630224-C-T.
Other names: c.16404C>T, p.Leu5468= (NM_015180.6).
Identifiers: ClinVar variation 2644303 (VCV002644303.24), dbSNP rs763539046, ClinGen allele CA7223365.

ClinVar aggregate classification (germline): Likely benign (1 of 4 stars; one submission).

Allele frequency attached by ClinVar (database versions not stated): gnomAD exomes 0.00001; TOPMed 0.00001; ExAC 0.00005; gnomAD 0.00001.
gnomAD v4.1: 24 of 1,614,070 alleles (0.0015%); highest among the groups gnomAD compares: South Asian, 0.02%; no homozygotes.

Submission:

CeGaT Center for Human Genetics Tuebingen
Classification: Likely benign. Last evaluated: 2023-10-01. Review status: criteria provided, single submitter. Criteria: CeGaT Center For Human Genetics Tuebingen Variant Classification Criteria Version 2. Collection method: clinical testing. Allele origin: germline. Affected: yes. Observed: 2 variant alleles.
Comment: SYNE2: BP4, BP7